The following is an entry in ClinVar:

NM_000312.4(PROC):c.561G>A (p.Trp187Ter)

Gene: PROC (protein C, inactivator of coagulation factors Va and VIIIa; plus strand). Cytogenetic location: 2q14.3.
Variant type: single nucleotide variant.
Coding change: c.561G>A on transcript NM_000312.4 (MANE Select); coding-DNA position 561, G replaced by A.
Protein change: p.Trp187Ter; replaces tryptophan 187 with a stop codon.
Molecular consequence: nonsense.
Genome position (GRCh38, 1-based): chr2:127,426,110, G>A. VCF-style: chr2-127426110-G-A. GRCh37 (hg19) VCF-style: chr2-128183686-G-A.
Other names: c.744G>A, p.Trp248Ter (NM_001375602.1); c.726G>A, p.Trp242Ter (NM_001375603.1); c.624G>A, p.Trp208Ter (NM_001375604.1); c.663G>A, p.Trp221Ter (NM_001375605.1); c.729G>A, p.Trp243Ter (NM_001375606.1); c.747G>A, p.Trp249Ter (NM_001375607.1); c.504G>A, p.Trp168Ter (NM_001375608.1); c.537G>A, p.Trp179Ter (NM_001375609.1); and 2 more; short protein forms W168*, W179*, W185*, W187*, W208*, W221*, W242*, W243*.
Identifiers: ClinVar variation 1068737 (VCV001068737.7), dbSNP rs1558715877, ClinGen allele CA348401073.

ClinVar aggregate classification (germline): Pathogenic (1 of 4 stars; one submission).

Conditions:
Thrombophilia due to protein C deficiency, autosomal dominant. Also called: PROC DEFICIENCY, AUTOSOMAL DOMINANT; PROTEIN C DEFICIENCY, AUTOSOMAL DOMINANT. Identifiers: Orphanet 745, MedGen C2674321, MONDO:0008316, OMIM 176860. Disease mechanism: loss of function.

Allele frequency attached by ClinVar (database versions not stated): gnomAD exomes below 0.00001.
gnomAD v4.1: 1 of 1,614,136 alleles (0.000062%); highest among the groups gnomAD compares: Admixed American, 0.0017%; no homozygotes.

Submission:

Labcorp Genetics (formerly Invitae), Labcorp
Classification: Pathogenic for Thrombophilia due to protein C deficiency, autosomal dominant. Last evaluated: 2023-09-10. Review status: criteria provided, single submitter. Criteria: Invitae Variant Classification Sherloc (09022015). Collection method: clinical testing. Allele origin: germline.
Comment: For these reasons, this variant has been classified as Pathogenic. ClinVar contains an entry for this variant (Variation ID: 1068737). This variant has not been reported in the literature in individuals affected with PROC-related conditions. This variant is present in population databases (no rsID available, gnomAD 0.003%). This sequence change creates a premature translational stop signal (p.Trp187*) in the PROC gene. It is expected to result in an absent or disrupted protein product. Loss-of-function variants in PROC are known to be pathogenic (PMID: 17152060).

Literature cited by the submitters: PubMed 17152060.